The following is an entry in ClinVar:

NM_018127.7(ELAC2):c.1142G>A (p.Arg381His)

Gene: ELAC2 (elaC ribonuclease Z 2; minus strand). Cytogenetic location: 17p12.
Variant type: single nucleotide variant.
Coding change: c.1142G>A on transcript NM_018127.7 (MANE Select); coding-DNA position 1142, G replaced by A.
Protein change: p.Arg381His; replaces arginine 381 with histidine.
Molecular consequence: missense variant.
Genome position (GRCh38, 1-based): chr17:13,002,517, C>T on the plus strand (G>A on the coding strand, the complement: ELAC2 is on the minus strand). VCF-style: chr17-13002517-C-T. GRCh37 (hg19) VCF-style: chr17-12905834-C-T.
Other names: c.1142G>A (NM_018127.6); c.1022G>A, p.Arg341His (NM_001165962.2); c.1142G>A, p.Arg381His (NM_173717.2); short protein forms R341H, R381H.
Identifiers: ClinVar variation 1431092 (VCV001431092.5), dbSNP rs756803645, ClinGen allele CA288083382.

ClinVar aggregate classification (germline): Uncertain significance. Review status: criteria provided, multiple submitters, no conflicts (2 of 4 stars). 3 submissions from 3 submitters: Uncertain significance (3). Last evaluated 2025-02-17.

Conditions:
Inborn genetic diseases. Identifiers: MedGen C0950123, MeSH D030342.
Combined oxidative phosphorylation defect type 17. Also called: Combined oxidative phosphorylation deficiency 17. Identifiers: Orphanet 369913, MedGen C3809526, MONDO:0014190, OMIM 615440.

Allele frequency attached by ClinVar (database versions not stated): gnomAD exomes 0.00002 and 0.00001; TOPMed 0.00002; gnomAD 0.00004.

Submissions (3):

Revvity Omics, Revvity
Classification: Uncertain significance for Combined oxidative phosphorylation defect type 17. Last evaluated: 2025-02-17. Review status: criteria provided, single submitter. Criteria: ACMG Guidelines, 2015. Collection method: clinical testing. Allele origin: germline.

Ambry Genetics
Classification: Uncertain significance for Inborn genetic diseases. Last evaluated: 2024-04-22. Review status: criteria provided, single submitter. Criteria: Ambry Variant Classification Scheme 2023. Collection method: clinical testing. Allele origin: germline.

Labcorp Genetics (formerly Invitae), Labcorp
Classification: Uncertain significance for Combined oxidative phosphorylation defect type 17. Last evaluated: 2021-08-12. Review status: criteria provided, single submitter. Criteria: Invitae Variant Classification Sherloc (09022015). Collection method: clinical testing. Allele origin: germline.
Comment: This sequence change replaces arginine with histidine at codon 381 of the ELAC2 protein (p.Arg381His). The arginine residue is moderately conserved and there is a small physicochemical difference between arginine and histidine. This variant is not present in population databases (ExAC no frequency). This variant has not been reported in the literature in individuals affected with ELAC2-related conditions. Algorithms developed to predict the effect of missense changes on protein structure and function are either unavailable or do not agree on the potential impact of this missense change (SIFT: "Tolerated"; PolyPhen-2: "Probably Damaging"; Align-GVGD: "Class C0"). In summary, the available evidence is currently insufficient to determine the role of this variant in disease. Therefore, it has been classified as a Variant of Uncertain Significance.